The following is an entry in ClinVar:

NM_032119.4(ADGRV1):c.11733A>G (p.Gly3911=)

Gene: ADGRV1 (adhesion G protein-coupled receptor V1; plus strand). Cytogenetic location: 5q14.3.
Variant type: single nucleotide variant.
Coding change: c.11733A>G on transcript NM_032119.4 (MANE Select); coding-DNA position 11733, A replaced by G.
Protein change: p.Gly3911=; no amino-acid change (glycine 3911 retained).
Molecular consequence: synonymous variant. On other transcripts: non-coding transcript variant (1).
Genome position (GRCh38, 1-based): chr5:90,756,606, A>G. VCF-style: chr5-90756606-A-G. GRCh37 (hg19) VCF-style: chr5-90052423-A-G.
Other names: c.11733A>G (NM_032119.3).
Identifiers: ClinVar variation 1138787 (VCV001138787.10), dbSNP rs763329922, ClinGen allele CA3341032.

ClinVar aggregate classification (germline): Likely benign. Review status: criteria provided, multiple submitters, no conflicts (2 of 4 stars). 2 submissions from 2 submitters: Likely benign (2). Last evaluated 2026-03-13.

Conditions:
ADGRV1-related disorder. Also called: ADGRV1-related condition; ADGRV1-related disorders.

Allele frequency attached by ClinVar (database versions not stated): gnomAD exomes below 0.00001; ExAC 0.00001; gnomAD 0.00001; TOPMed 0.00002.
gnomAD v4.1: 4 of 1,613,558 alleles (0.00025%); highest among the groups gnomAD compares: Admixed American, 0.0067%; no homozygotes.

Submissions (2):

PreventionGenetics, part of Exact Sciences
Classification: Likely benign for ADGRV1-related condition. Last evaluated: 2026-03-13. Review status: criteria provided, single submitter. Criteria: ACMG Guidelines, 2015. Collection method: clinical testing. Allele origin: germline.
Comment: This variant is classified as likely benign based on ACMG/AMP sequence variant interpretation guidelines (Richards et al. 2015 PMID: 25741868, with internal and published modifications).

Labcorp Genetics (formerly Invitae), Labcorp
Classification: Likely benign. Last evaluated: 2024-03-25. Review status: criteria provided, single submitter. Criteria: Invitae Variant Classification Sherloc (09022015). Collection method: clinical testing. Allele origin: germline.